The following is an entry in ClinVar:

ClinVar aggregate classification (germline): Benign. Review status: criteria provided, multiple submitters, no conflicts (2 of 4 stars). 3 submissions from 3 submitters: Benign (3). Last evaluated 2021-05-10.

Conditions:
Congenital dyserythropoietic anemia, type I. Also called: Dyserythropoietic anemia, congenital type 1. Identifiers: Orphanet 98869, MedGen C0271933, MONDO:0020337. Disease mechanism: loss of function.

Allele frequency attached by ClinVar (database versions not stated): gnomAD 0.39225 and 0.39766; TOPMed 0.40047; 1000 Genomes Project 0.45188; 1000 Genomes Project 30x 0.46081.

Submissions (3):

GeneDx
Classification: Benign. Last evaluated: 2021-05-10. Review status: criteria provided, single submitter. Criteria: GeneDx Variant Classification (06012015). Collection method: clinical testing. Allele origin: germline. Affected: yes.

Illumina Laboratory Services, Illumina
Classification: Benign for Anemia, congenital dyserythropoietic, type 1a. Last evaluated: 2018-01-12. Review status: criteria provided, single submitter. Criteria: ICSL Variant Classification Criteria 13 December 2019. Collection method: clinical testing. Allele origin: germline.
Comment: This variant was observed in the ICSL laboratory as part of a predisposition screen in an ostensibly healthy population. It had not been previously curated by ICSL or reported in the Human Gene Mutation Database (HGMD: prior to June 1st, 2018), and was therefore a candidate for classification through an automated scoring system. Utilizing variant allele frequency, disease prevalence and penetrance estimates, and inheritance mode, an automated score was calculated to assess if this variant is too frequent to cause the disease. Based on the score and internal cut-off values, a variant classified as benign is not then subjected to further curation. The score for this variant resulted in a classification of benign for this disease.

Breakthrough Genomics
Classification: Benign. Review status: criteria provided, single submitter. Criteria: ACMG Guidelines, 2015. Collection method: not provided. Allele origin: germline. Inheritance: Autosomal recessive inheritance. Affected: yes.

NM_138477.4(CDAN1):c.*214T>C

Gene: CDAN1 (codanin 1; minus strand). Cytogenetic location: 15q15.2.
Variant type: single nucleotide variant.
Coding change: c.*214T>C on transcript NM_138477.4 (MANE Select); 214 bases downstream of the stop codon, T replaced by C.
Molecular consequence: 3 prime UTR variant.
Genome position (GRCh38, 1-based): chr15:42,724,277, A>G on the plus strand (T>C on the coding strand, the complement: CDAN1 is on the minus strand). VCF-style: chr15-42724277-A-G. GRCh37 (hg19) VCF-style: chr15-43016475-A-G.
Other names: c.*214T>C (LRG_1164t1).
Identifiers: ClinVar variation 315915 (VCV000315915.7), dbSNP rs3742988, ClinGen allele CA10641841.
Genomic context (GRCh38, chr15:42,724,277, plus strand): 5'-ATTTAGTATCCAAGAGATAAACAAACACCACCTCTTCTACTCCAGGACTGGCATCTCTGG[A>G]CTTTTCTGCCATAATCCCAAATCAGGCCAACTCTCCTTCCTCTAGGATTCGCGTGGTGGG-3'